The following is an entry in ClinVar:

ClinVar aggregate classification (germline): Likely benign. Review status: criteria provided, multiple submitters, no conflicts (2 of 4 stars). 3 submissions from 3 submitters: Likely benign (3). Last evaluated 2026-07-14.

Conditions:
COL18A1-related disorder. Also called: COL18A1-related disorders; COL18A1-related condition.

Allele frequency attached by ClinVar (database versions not stated): gnomAD exomes below 0.00001.
gnomAD v4.1: 5 of 1,524,342 alleles (0.00033%); highest among the groups gnomAD compares: African/African-American, 0.0041%; no homozygotes.

Submissions (3):

PreventionGenetics, part of Exact Sciences
Classification: Likely benign for COL18A1-related condition. Last evaluated: 2026-07-14. Review status: criteria provided, single submitter. Criteria: ACMG Guidelines, 2015. Collection method: clinical testing. Allele origin: germline.
Comment: This variant is classified as likely benign based on ACMG/AMP sequence variant interpretation guidelines (Richards et al. 2015 PMID: 25741868, with internal and published modifications).

Labcorp Genetics (formerly Invitae), Labcorp
Classification: Likely benign. Last evaluated: 2024-09-19. Review status: criteria provided, single submitter. Criteria: Invitae Variant Classification Sherloc (09022015). Collection method: clinical testing. Allele origin: germline.

Blueprint Genetics
Classification: Likely benign. Last evaluated: 2021-11-16. Review status: criteria provided, single submitter. Criteria: ACMG Guidelines, 2015. Collection method: clinical testing. Allele origin: germline.

NM_001379500.1(COL18A1):c.2553A>G (p.Pro851=)

Gene: COL18A1 (collagen type XVIII alpha 1 chain; plus strand). Cytogenetic location: 21q22.3.
Variant type: single nucleotide variant.
Coding change: c.2553A>G on transcript NM_001379500.1 (MANE Select); coding-DNA position 2553, A replaced by G.
Protein change: p.Pro851=; no amino-acid change (proline 851 retained).
Molecular consequence: synonymous variant.
Genome position (GRCh38, 1-based): chr21:45,496,544, A>G. VCF-style: chr21-45496544-A-G. GRCh37 (hg19) VCF-style: chr21-46916458-A-G.
Other names: c.3093A>G (NM_030582.3); c.3093A>G, p.Pro1031= (NM_030582.4); c.3798A>G, p.Pro1266= (NM_130444.3).
Identifiers: ClinVar variation 1609942 (VCV001609942.10), dbSNP rs1030218009, ClinGen allele CA321919865.